The following is an entry in ClinVar:

ClinVar aggregate classification (germline): Likely benign. Review status: criteria provided, multiple submitters, no conflicts (2 of 4 stars). 3 submissions from 3 submitters: Likely benign (2). 1 of the submissions does not count toward it. Last evaluated 2025-01-31.

Conditions:
Autosomal recessive limb-girdle muscular dystrophy type 2P. Also called: Limb-Girdle Muscular Dystrophy Type 9C; MUSCULAR DYSTROPHY-DYSTROGLYCANOPATHY, LIMB-GIRDLE, DAG1-RELATED; MUSCULAR DYSTROPHY, LIMB-GIRDLE, TYPE 2P. Identifiers: Orphanet 280333, MedGen C4511963, MONDO:0013440, OMIM 613818.
Muscular dystrophy-dystroglycanopathy (congenital with brain and eye anomalies), type A9. Also called: WALKER-WARBURG SYNDROME OR MUSCLE-EYE BRAIN DISEASE, DAG1-RELATED; Muscular dystrophy-dystroglycanopathy (congenital with brain and eye anomalies), type a, 9. Identifiers: Orphanet 370997, Orphanet 899, MedGen C4225291, MONDO:0014683, OMIM 616538.
DAG1-related disorder. Also called: DAG1-related condition.

Allele frequency attached by ClinVar (database versions not stated): gnomAD 0.00001; TOPMed 0.00001; gnomAD exomes 0.00004 and 0.00006; ExAC 0.00007.
gnomAD v4.1: 60 of 1,614,144 alleles (0.0037%); highest among the groups gnomAD compares: South Asian, 0.058%; no homozygotes.

Submissions (3):

Labcorp Genetics (formerly Invitae), Labcorp
Classification: Likely benign for Autosomal recessive limb-girdle muscular dystrophy type 2P; Muscular dystrophy-dystroglycanopathy (congenital with brain and eye anomalies), type A9. Last evaluated: 2025-01-31. Review status: criteria provided, single submitter. Criteria: Invitae Variant Classification Sherloc (09022015). Collection method: clinical testing. Allele origin: germline.

GeneDx
Classification: Likely benign. Last evaluated: 2017-05-10. Review status: criteria provided, single submitter. Criteria: GeneDx Variant Classification (06012015). Collection method: clinical testing. Allele origin: germline. Affected: yes.
Comment: This variant is considered likely benign or benign based on one or more of the following criteria: it is a conservative change, it occurs at a poorly conserved position in the protein, it is predicted to be benign by multiple in silico algorithms, and/or has population frequency not consistent with disease.

PreventionGenetics, part of Exact Sciences
Classification: Likely benign for DAG1-related condition. Last evaluated: 2019-04-08. Review status: no assertion criteria provided. Collection method: clinical testing. Allele origin: germline. Not counted in ClinVar's aggregate classification.
Comment: This variant is classified as likely benign based on ACMG/AMP sequence variant interpretation guidelines (Richards et al. 2015 PMID: 25741868, with internal and published modifications).

NM_004393.6(DAG1):c.1674C>T (p.Ser558=)

Gene: DAG1 (dystroglycan 1; plus strand). Cytogenetic location: 3p21.31.
Variant type: single nucleotide variant.
Coding change: c.1674C>T on transcript NM_004393.6 (MANE Select); coding-DNA position 1674, C replaced by T.
Protein change: p.Ser558=; no amino-acid change (serine 558 retained).
Molecular consequence: synonymous variant.
Genome position (GRCh38, 1-based): chr3:49,532,185, C>T. VCF-style: chr3-49532185-C-T. GRCh37 (hg19) VCF-style: chr3-49569618-C-T.
Other names: c.1674C>T, p.Ser558= (NM_001165928.4, NM_001177634.3, NM_001177635.3 and 9 more transcripts); c.1674C>T (NM_001165928.3).
Identifiers: ClinVar variation 509509 (VCV000509509.7), dbSNP rs768293578, ClinGen allele CA2399117.